The following is an entry in ClinVar:

ClinVar aggregate classification (germline): Uncertain significance (1 of 4 stars; one submission).

Allele frequency attached by ClinVar (database versions not stated): TOPMed below 0.00001; gnomAD 0.00001.
gnomAD v4.1: 1 of 1,607,392 alleles (0.000062%); highest among the groups gnomAD compares: Non-Finnish European, 0.000085%; no homozygotes.

Submission:

Labcorp Genetics (formerly Invitae), Labcorp
Classification: Uncertain significance. Last evaluated: 2024-08-01. Review status: criteria provided, single submitter. Criteria: Invitae Variant Classification Sherloc (09022015). Collection method: clinical testing. Allele origin: germline.
Comment: This sequence change falls in intron 10 of the SRP72 gene. It does not directly change the encoded amino acid sequence of the SRP72 protein. It affects a nucleotide within the consensus splice site. This variant is not present in population databases (gnomAD no frequency). This variant has not been reported in the literature in individuals affected with SRP72-related conditions. Variants that disrupt the consensus splice site are a relatively common cause of aberrant splicing (PMID: 17576681, 9536098). Algorithms developed to predict the effect of sequence changes on RNA splicing suggest that this variant may disrupt the consensus splice site. In summary, the available evidence is currently insufficient to determine the role of this variant in disease. Therefore, it has been classified as a Variant of Uncertain Significance.

Literature cited by the submitters: PubMed 17576681; PubMed 9536098.

NM_006947.4(SRP72):c.1086+3A>G

Gene: SRP72 (signal recognition particle 72; plus strand). Cytogenetic location: 4q12.
Variant type: single nucleotide variant.
Coding change: c.1086+3A>G on transcript NM_006947.4 (MANE Select); 3 bases into the intron after coding-DNA position 1086, A replaced by G.
Molecular consequence: intron variant.
Genome position (GRCh38, 1-based): chr4:56,484,867, A>G. VCF-style: chr4-56484867-A-G. GRCh37 (hg19) VCF-style: chr4-57351033-A-G.
Other names: c.903+3A>G (NM_001267722.2).
Identifiers: ClinVar variation 2785847 (VCV002785847.3), dbSNP rs1720646087, ClinGen allele CA1062802205.
Genomic context (GRCh38, chr4:56,484,867, plus strand): 5'-CCAAGCTGCCCAGCTCTGCCGTGAAAAGCAGCACACAAAAGCAATAGAGCTGCTTCAGGT[A>G]AAATAATTACTTGAATGAGGTGTCAGACATTTGCAGCTTTGTTTCATTTTCATTGTGTTG-3'